The following is an entry in ClinVar:

NM_015202.5(KATNIP):c.2126G>A (p.Gly709Asp)

Gene: KATNIP (katanin interacting protein; plus strand). Cytogenetic location: 16p12.1.
Variant type: single nucleotide variant.
Coding change: c.2126G>A on transcript NM_015202.5 (MANE Select); coding-DNA position 2126, G replaced by A.
Protein change: p.Gly709Asp; replaces glycine 709 with aspartic acid.
Molecular consequence: missense variant.
Genome position (GRCh38, 1-based): chr16:27,740,423, G>A. VCF-style: chr16-27740423-G-A. GRCh37 (hg19) VCF-style: chr16-27751744-G-A.
Other names: c.2126G>A (NM_015202.2); short protein forms G709D.
Identifiers: ClinVar variation 1682056 (VCV001682056.9), dbSNP rs773769408, ClinGen allele CA7977899.

ClinVar aggregate classification (germline): Uncertain significance. Review status: criteria provided, multiple submitters, no conflicts (2 of 4 stars). 2 submissions from 2 submitters: Uncertain significance (2). Last evaluated 2025-05-13.

Allele frequency attached by ClinVar (database versions not stated): ExAC 0.00001; TOPMed 0.00002; gnomAD exomes 0.00001; gnomAD 0.00005 and 0.00004.
gnomAD v4.1: 25 of 1,613,874 alleles (0.0015%); highest among the groups gnomAD compares: African/African-American, 0.0027%; no homozygotes.

Submissions (2):

Ambry Genetics
Classification: Uncertain significance. Last evaluated: 2025-05-13. Review status: criteria provided, single submitter. Criteria: Ambry Variant Classification Scheme 2023. Collection method: clinical testing. Allele origin: germline.

Labcorp Genetics (formerly Invitae), Labcorp
Classification: Uncertain significance. Last evaluated: 2021-07-14. Review status: criteria provided, single submitter. Criteria: Invitae Variant Classification Sherloc (09022015). Collection method: clinical testing. Allele origin: germline.
Comment: This sequence change replaces glycine with aspartic acid at codon 709 of the KIAA0556 protein (p.Gly709Asp). The glycine residue is moderately conserved and there is a moderate physicochemical difference between glycine and aspartic acid. This variant is present in population databases (rs773769408, ExAC 0.002%). This variant has not been reported in the literature in individuals affected with KIAA0556-related conditions. Algorithms developed to predict the effect of missense changes on protein structure and function output the following: SIFT: "Tolerated"; PolyPhen-2: "Benign"; Align-GVGD: "Class C0". The aspartic acid amino acid residue is found in multiple mammalian species, which suggests that this missense change does not adversely affect protein function. In summary, the available evidence is currently insufficient to determine the role of this variant in disease. Therefore, it has been classified as a Variant of Uncertain Significance.